The following is an entry in ClinVar:

NM_018367.7(ACER3):c.183_184delinsAT (p.Arg62Trp)

Gene: ACER3 (alkaline ceramidase 3; plus strand). Cytogenetic location: 11q13.5.
Variant type: Indel.
Coding change: c.183_184delinsAT on transcript NM_018367.7 (MANE Select); coding-DNA positions 183 to 184, GC replaced by AT.
Protein change: p.Arg62Trp; replaces arginine 62 with tryptophan.
Molecular consequence: missense variant. On other transcripts: 5 prime UTR variant (2), intron variant (1).
Genome position (GRCh38, 1-based): chr11:76,926,636-76,926,637, GC replaced by AT. VCF-style: chr11-76926636-GC-AT. GRCh37 (hg19) VCF-style: chr11-76637680-GC-AT.
Other names: c.-174_-173delinsAT (NM_001300954.2); c.-50_-49delinsAT (NM_001300955.2); c.104-32343_104-32342delinsAT (NM_001300953.2); short protein forms R62W.
Identifiers: ClinVar variation 1960764 (VCV001960764.5), dbSNP rs2496316711, ClinGen allele CA2580084893.

ClinVar aggregate classification (germline): Uncertain significance (1 of 4 stars; one submission).

Submission:

Labcorp Genetics (formerly Invitae), Labcorp
Classification: Uncertain significance. Last evaluated: 2022-10-20. Review status: criteria provided, single submitter. Criteria: Invitae Variant Classification Sherloc (09022015). Collection method: clinical testing. Allele origin: germline.
Comment: This sequence change replaces arginine, which is basic and polar, with tryptophan, which is neutral and slightly polar, at codon 62 of the ACER3 protein (p.Arg62Trp). Information on the frequency of this variant in the gnomAD database is not available, as this variant may be reported differently in the database. This variant has not been reported in the literature in individuals affected with ACER3-related conditions. Experimental studies and prediction algorithms are not available or were not evaluated, and the functional significance of this variant is currently unknown. In summary, the available evidence is currently insufficient to determine the role of this variant in disease. Therefore, it has been classified as a Variant of Uncertain Significance.